The following is an entry in ClinVar:

NM_000152.5(GAA):c.1244C>T (p.Thr415Met)

Gene: GAA (alpha glucosidase; plus strand). Cytogenetic location: 17q25.3.
Variant type: single nucleotide variant.
Coding change: c.1244C>T on transcript NM_000152.5 (MANE Select); coding-DNA position 1244, C replaced by T.
Protein change: p.Thr415Met; replaces threonine 415 with methionine.
Molecular consequence: missense variant.
Genome position (GRCh38, 1-based): chr17:80,108,746, C>T. VCF-style: chr17-80108746-C-T. GRCh37 (hg19) VCF-style: chr17-78082545-C-T.
Other names: c.1244C>T, p.Thr415Met (NM_001079803.3, NM_001079804.3, NM_001406741.1 and 1 more transcripts); short protein forms T415M.
Identifiers: ClinVar variation 2431963 (VCV002431963.5), dbSNP rs374842126, ClinGen allele CA294892544.
Genomic context (GRCh38, chr17:80,108,746, plus strand): 5'-TGTGGCTGCAGGACGTCCAGTGGAACGACCTGGACTACATGGACTCCCGGAGGGACTTCA[C>T]GTTCAACAAGGATGGCTTCCGGGACTTCCCGGCCATGGTGCAGGAGCTGCACCAGGGCGG-3'
Protein context (NP_000143.2, residues 405-425): LDYMDSRRDF[Thr415Met]FNKDGFRDFP

ClinVar aggregate classification (germline): Uncertain significance. Review status: criteria provided, multiple submitters, no conflicts (2 of 4 stars). 3 submissions from 3 submitters: Uncertain significance (3). Last evaluated 2026-07-01.

Conditions:
Glycogen storage disease, type II (IOPD). Also called: CARDIOMEGALIA GLYCOGENICA DIFFUSA; GLYCOGENOSIS, GENERALIZED, CARDIAC FORM; GSD II; Glycogen storage disease type 2; Acid maltase deficiency disease; Aglucosidase alfa. Identifiers: Orphanet 365, MedGen C0017921, MONDO:0009290, OMIM 232300.

Allele frequency attached by ClinVar (database versions not stated): gnomAD 0.00001; gnomAD exomes 0.00001; ESP Exome Variant Server 0.00008.
gnomAD v4.1: 11 of 1,612,038 alleles (0.00068%); highest among the groups gnomAD compares: East Asian, 0.0045%; no homozygotes.

Submissions (3):

Genomenon, Inc
Classification: Uncertain significance for Glycogen storage disease, type II. Last evaluated: 2026-07-01. Review status: criteria provided, single submitter. Criteria: Genomenon Sequence Variant Interpretation Standards - Updated. Collection method: curation. Allele origin: germline. Affected: no.
Comment: GAA p.Thr415Met (c.1244C>T) is a missense variant that changes the amino acid at codon 415 from Threonine to Methionine. This variant has been reported in the published literature (PMID:31076647;30281819;34356580;33560568;33073027;34922579). It is absent or not present at a significant frequency in gnomAD. In conclusion, we classify GAA p.Thr415Met (c.1244C>T) as a variant of uncertain significance.

Labcorp Genetics (formerly Invitae), Labcorp
Classification: Uncertain significance for Glycogen storage disease, type II. Last evaluated: 2025-03-10. Review status: criteria provided, single submitter. Criteria: Invitae Variant Classification Sherloc (09022015). Collection method: clinical testing. Allele origin: germline.
Comment: This sequence change replaces threonine, which is neutral and polar, with methionine, which is neutral and non-polar, at codon 415 of the GAA protein (p.Thr415Met). This variant is not present in population databases (gnomAD no frequency). This missense change has been observed in individual(s) with a positive newborn screening result for GAA-related disease (PMID: 31076647). ClinVar contains an entry for this variant (Variation ID: 2431963). Invitae Evidence Modeling of protein sequence and biophysical properties (such as structural, functional, and spatial information, amino acid conservation, physicochemical variation, residue mobility, and thermodynamic stability) indicates that this missense variant is expected to disrupt GAA protein function with a positive predictive value of 95%. In summary, the available evidence is currently insufficient to determine the role of this variant in disease. Therefore, it has been classified as a Variant of Uncertain Significance.

Revvity Omics, Revvity
Classification: Uncertain significance. Last evaluated: 2021-08-30. Review status: criteria provided, single submitter. Criteria: ACMG Guidelines, 2015. Collection method: clinical testing. Allele origin: germline.

Literature cited by the submitters: PubMed 31076647 (cited by Genomenon, Inc and Labcorp Genetics (formerly Invitae), Labcorp); PubMed 30281819 (cited by Genomenon, Inc); PubMed 34356580 (cited by Genomenon, Inc); PubMed 33560568 (cited by Genomenon, Inc); PubMed 33073027 (cited by Genomenon, Inc); PubMed 34922579 (cited by Genomenon, Inc).